The following is an entry in ClinVar:

NM_001348323.3(TRIP12):c.3160A>T (p.Ser1054Cys)

Gene: TRIP12 (thyroid hormone receptor interactor 12; minus strand). Cytogenetic location: 2q36.3.
Variant type: single nucleotide variant.
Coding change: c.3160A>T on transcript NM_001348323.3 (MANE Select); coding-DNA position 3160, A replaced by T.
Protein change: p.Ser1054Cys; replaces serine 1054 with cysteine.
Molecular consequence: missense variant.
Genome position (GRCh38, 1-based): chr2:229,802,298, T>A on the plus strand (A>T on the coding strand, the complement: TRIP12 is on the minus strand). VCF-style: chr2-229802298-T-A. GRCh37 (hg19) VCF-style: chr2-230667014-T-A.
Other names: c.3082A>T, p.Ser1028Cys (NM_001348333.1); c.2935A>T, p.Ser979Cys (NM_004238.3); c.3079A>T, p.Ser1027Cys (NM_001284214.2, NM_001348315.2); c.3034A>T, p.Ser1012Cys (NM_001284215.2, NM_001348316.2, NM_001348317.1 and 1 more transcripts); c.2125A>T, p.Ser709Cys (NM_001284216.2); c.3160A>T, p.Ser1054Cys (NM_001348319.1, NM_001348320.2, NM_001348322.1 and 4 more transcripts); c.3163A>T, p.Ser1055Cys (NM_001348321.1, NM_001348328.1, NM_001348329.2 and 1 more transcripts); c.2953A>T, p.Ser985Cys (NM_001348331.1); and 1 more; short protein forms S1012C, S1025C, S1027C, S1028C, S1054C, S1055C, S709C, S979C.
Identifiers: ClinVar variation 3370111 (VCV003370111.2).

ClinVar aggregate classification (germline): Uncertain significance (1 of 4 stars; one submission).

Submission:

GeneDx
Classification: Uncertain significance. Last evaluated: 2025-11-07. Review status: criteria provided, single submitter. Criteria: GeneDx Variant Classification Process June 2021. Collection method: clinical testing. Allele origin: germline.
Comment: Not observed at significant frequency in large population cohorts (gnomAD); In silico analysis supports that this missense variant has a deleterious effect on protein structure/function; Has not been previously published as pathogenic or benign to our knowledge